The following is an entry in ClinVar:

ClinVar aggregate classification (germline): Uncertain significance. Review status: criteria provided, multiple submitters, no conflicts (2 of 4 stars). 2 submissions from 2 submitters: Uncertain significance (2). Last evaluated 2022-06-27.

Conditions:
Adenylosuccinate lyase deficiency (ADSLD). Also called: ADSL DEFICIENCY. Identifiers: Orphanet 46, MedGen C0268126, MONDO:0007068, OMIM 103050.

Allele frequency attached by ClinVar (database versions not stated): gnomAD exomes 0.00001 and 0.00003; TOPMed 0.00002; gnomAD 0.00003; ExAC 0.00004; 1000 Genomes Project 0.00020; 1000 Genomes Project 30x 0.00031.
gnomAD v4.1: 24 of 1,614,182 alleles (0.0015%); highest among the groups gnomAD compares: East Asian, 0.033%; no homozygotes.

Submissions (2):

GeneDx
Classification: Uncertain significance. Last evaluated: 2022-06-27. Review status: criteria provided, single submitter. Criteria: GeneDx Variant Classification Process June 2021. Collection method: clinical testing. Allele origin: germline. Affected: yes.
Comment: In silico analysis supports that this missense variant has a deleterious effect on protein structure/function; Has not been previously published as pathogenic or benign to our knowledge

Labcorp Genetics (formerly Invitae), Labcorp
Classification: Uncertain significance for Adenylosuccinate lyase deficiency. Last evaluated: 2022-04-17. Review status: criteria provided, single submitter. Criteria: Invitae Variant Classification Sherloc (09022015). Collection method: clinical testing. Allele origin: germline.
Comment: This sequence change replaces arginine, which is basic and polar, with glutamine, which is neutral and polar, at codon 85 of the ADSL protein (p.Arg85Gln). This variant is present in population databases (rs540648461, gnomAD 0.03%). This variant has not been reported in the literature in individuals affected with ADSL-related conditions. Advanced modeling of protein sequence and biophysical properties (such as structural, functional, and spatial information, amino acid conservation, physicochemical variation, residue mobility, and thermodynamic stability) performed at Invitae indicates that this missense variant is not expected to disrupt ADSL protein function. In summary, the available evidence is currently insufficient to determine the role of this variant in disease. Therefore, it has been classified as a Variant of Uncertain Significance.

NM_000026.4(ADSL):c.254G>A (p.Arg85Gln)

Gene: ADSL (adenylosuccinate lyase; plus strand). Cytogenetic location: 22q13.1.
Variant type: single nucleotide variant.
Coding change: c.254G>A on transcript NM_000026.4 (MANE Select); coding-DNA position 254, G replaced by A.
Protein change: p.Arg85Gln; replaces arginine 85 with glutamine.
Molecular consequence: missense variant. On other transcripts: non-coding transcript variant (1).
Genome position (GRCh38, 1-based): chr22:40,349,932, G>A. VCF-style: chr22-40349932-G-A. GRCh37 (hg19) VCF-style: chr22-40745936-G-A.
Other names: c.254G>A, p.Arg85Gln (NM_001123378.3, NM_001363840.3); c.62G>A, p.Arg21Gln (NM_001317923.2); short protein forms R21Q, R85Q.
Identifiers: ClinVar variation 1693363 (VCV001693363.4), dbSNP rs540648461, ClinGen allele CA10247655.
Genomic context (GRCh38, chr22:40,349,932, plus strand): 5'-TGAAATCAAACCTGGAGAACATCGACTTCAAGATGGCAGCTGAGGAAGAGAAACGTTTAC[G>A]ACATGATGTGATGGCTCACGTGCACACATTTGGCCACTGCTGTCCAAAAGCTGCAGGCAT-3'
Protein context (NP_000017.1, residues 75-95): KMAAEEEKRL[Arg85Gln]HDVMAHVHTF